The following is an entry in ClinVar:

ClinVar aggregate classification (germline): Uncertain significance (1 of 4 stars; one submission).

Allele frequency attached by ClinVar (database versions not stated): ExAC 0.00006.
gnomAD v4.1: 15 of 1,584,428 alleles (0.00095%); highest among the groups gnomAD compares: Non-Finnish European, 0.0013%; no homozygotes.

Submission:

Labcorp Genetics (formerly Invitae), Labcorp
Classification: Uncertain significance. Last evaluated: 2025-11-19. Review status: criteria provided, single submitter. Criteria: Invitae Variant Classification Sherloc (09022015). Collection method: clinical testing. Allele origin: germline.
Comment: This sequence change replaces proline, which is neutral and non-polar, with threonine, which is neutral and polar, at codon 1563 of the SETBP1 protein (p.Pro1563Thr). The frequency data for this variant in the population databases is considered unreliable, as metrics indicate poor data quality at this position in the gnomAD database. This variant has not been reported in the literature in individuals affected with SETBP1-related conditions. ClinVar contains an entry for this variant (Variation ID: 1375697). An algorithm developed to predict the effect of missense changes on protein structure and function (PolyPhen-2) suggests that this variant is likely to be tolerated. In summary, the available evidence is currently insufficient to determine the role of this variant in disease. Therefore, it has been classified as a Variant of Uncertain Significance.

NM_015559.3(SETBP1):c.4687C>A (p.Pro1563Thr)

Gene: SETBP1 (SET binding protein 1; plus strand). Cytogenetic location: 18q12.3.
Variant type: single nucleotide variant.
Coding change: c.4687C>A on transcript NM_015559.3 (MANE Select); coding-DNA position 4687, C replaced by A.
Protein change: p.Pro1563Thr; replaces proline 1563 with threonine.
Molecular consequence: missense variant.
Genome position (GRCh38, 1-based): chr18:45,063,594, C>A. VCF-style: chr18-45063594-C-A. GRCh37 (hg19) VCF-style: chr18-42643559-C-A.
Other names: c.4687C>A, p.Pro1563Thr (NM_001379141.1, NM_001379142.1); short protein forms P1563T.
Identifiers: ClinVar variation 1375697 (VCV001375697.6), dbSNP rs749462781, ClinGen allele CA8946167.